The following is an entry in ClinVar:

NM_003982.4(SLC7A7):c.1095+2T>C

Gene: SLC7A7 (solute carrier family 7 member 7; minus strand). Cytogenetic location: 14q11.2.
Variant type: single nucleotide variant.
Coding change: c.1095+2T>C on transcript NM_003982.4 (MANE Select); the canonical splice donor site of the intron after coding-DNA position 1095, T replaced by C.
Molecular consequence: splice donor variant.
Genome position (GRCh38, 1-based): chr14:22,775,442, A>G on the plus strand (T>C on the coding strand, the complement: SLC7A7 is on the minus strand). VCF-style: chr14-22775442-A-G. GRCh37 (hg19) VCF-style: chr14-23244651-A-G.
Other names: c.1095+2T>C (NM_001126106.4, NM_001126105.3).
Identifiers: ClinVar variation 3657885 (VCV003657885.2).

ClinVar aggregate classification (germline): Likely pathogenic (1 of 4 stars; one submission).

Conditions:
Lysinuric protein intolerance (LPI). Identifiers: Orphanet 470, MedGen C0268647, MONDO:0009109, OMIM 222700.

Submission:

Labcorp Genetics (formerly Invitae), Labcorp
Classification: Likely pathogenic for Lysinuric protein intolerance. Last evaluated: 2024-07-09. Review status: criteria provided, single submitter. Criteria: Invitae Variant Classification Sherloc (09022015). Collection method: clinical testing. Allele origin: germline.
Comment: This sequence change affects a donor splice site in intron 8 of the SLC7A7 gene. It is expected to disrupt RNA splicing. Variants that disrupt the donor or acceptor splice site typically lead to a loss of protein function (PMID: 16199547), and loss-of-function variants in SLC7A7 are known to be pathogenic (PMID: 10631139, 17764084). This variant is not present in population databases (gnomAD no frequency). This variant has not been reported in the literature in individuals affected with SLC7A7-related conditions. Algorithms developed to predict the effect of sequence changes on RNA splicing suggest that this variant may disrupt the consensus splice site. In summary, the currently available evidence indicates that the variant is pathogenic, but additional data are needed to prove that conclusively. Therefore, this variant has been classified as Likely Pathogenic.

Literature cited by the submitters: PubMed 16199547; PubMed 10631139; PubMed 17764084.